The following is an entry in ClinVar:

ClinVar aggregate classification (germline): Conflicting classifications of pathogenicity. Review status: criteria provided, conflicting classifications (1 of 4 stars). 2 submissions from 2 submitters: Likely pathogenic (1); Uncertain significance (1). Last evaluated 2026-05-12.

Conditions:
Hereditary cancer-predisposing syndrome. Also called: Hereditary neoplastic syndrome; Neoplastic Syndromes, Hereditary; Tumor predisposition; Hereditary Cancer Syndrome. Identifiers: Orphanet 140162, MedGen C0027672, MeSH D009386, MONDO:0015356.

Submissions (2):

Ambry Genetics
Classification: Uncertain significance for Hereditary cancer-predisposing syndrome. Last evaluated: 2026-05-12. Review status: criteria provided, single submitter. Criteria: Ambry Variant Classification Scheme 2023. Collection method: clinical testing. Allele origin: germline.
Comment: The c.4150-2A>G intronic variant results from an A to G substitution two nucleotides upstream from coding exon 33 in the POLE gene. This nucleotide position is highly conserved in available vertebrate species. In silico splice site analysis predicts that this alteration will weaken the native splice acceptor site and may result in the creation or strengthening of a novel splice acceptor site. RNA studies have demonstrated that this variant results in abnormal splicing in the set of samples tested (Ambry internal data). Variants that disrupt the canonical splice site are expected to cause aberrant splicing, resulting in an abnormal protein or a transcript that is subject to nonsense-mediated mRNA decay. Although biallelic loss of function of POLE has been associated with autosomal recessive POLE deficiency, haploinsufficiency of POLE has not been established as a mechanism of disease for POLE-related polymerase proofreading-associated polyposis (PPAP) and POLE-related CMMRD-like syndrome. Based on the supporting evidence, this variant is expected to be causative of POLE deficiency when present along with a second pathogenic variant on the other allele; however, its clinical significance for PPAP and POLE-related CMMRD-like syndrome is unclear.

Labcorp Genetics (formerly Invitae), Labcorp
Classification: Likely pathogenic. Last evaluated: 2023-11-01. Review status: criteria provided, single submitter. Criteria: Invitae Variant Classification Sherloc (09022015). Collection method: clinical testing. Allele origin: germline.
Comment: This sequence change affects an acceptor splice site in intron 32 of the POLE gene. It is expected to disrupt RNA splicing. Variants that disrupt the donor or acceptor splice site typically lead to a loss of protein function (PMID: 16199547), and loss-of-function variants in POLE are known to be pathogenic (PMID: 23230001, 25948378, 30503519). This variant is not present in population databases (gnomAD no frequency). This variant has not been reported in the literature in individuals affected with POLE-related conditions. ClinVar contains an entry for this variant (Variation ID: 1022491). Algorithms developed to predict the effect of sequence changes on RNA splicing suggest that this variant may disrupt the consensus splice site. In summary, the currently available evidence indicates that the variant is pathogenic, but additional data are needed to prove that conclusively. Therefore, this variant has been classified as Likely Pathogenic.

Literature cited by the submitters: PubMed 16199547 (cited by Labcorp Genetics (formerly Invitae), Labcorp); PubMed 23230001 (cited by Labcorp Genetics (formerly Invitae), Labcorp); PubMed 25948378 (cited by Labcorp Genetics (formerly Invitae), Labcorp); PubMed 30503519 (cited by Labcorp Genetics (formerly Invitae), Labcorp).

NM_006231.4(POLE):c.4150-2A>G

Gene: POLE (DNA polymerase epsilon, catalytic subunit; minus strand). Cytogenetic location: 12q24.33.
Variant type: single nucleotide variant.
Coding change: c.4150-2A>G on transcript NM_006231.4 (MANE Select); the canonical splice acceptor site of the intron before coding-DNA position 4150, A replaced by G.
Molecular consequence: splice acceptor variant.
Genome position (GRCh38, 1-based): chr12:132,643,979, T>C on the plus strand (A>G on the coding strand, the complement: POLE is on the minus strand). VCF-style: chr12-132643979-T-C. GRCh37 (hg19) VCF-style: chr12-133220565-T-C.
Other names: c.4150-2A>G (NM_006231.2).
Identifiers: ClinVar variation 1022491 (VCV001022491.11), dbSNP rs2042218001, ClinGen allele CA387382578.